The following is an entry in ClinVar:

ClinVar aggregate classification (germline): Uncertain significance (1 of 4 stars; one submission).

gnomAD v4.1: 14 of 1,612,336 alleles (0.00087%); highest among the groups gnomAD compares: African/African-American, 0.0027%; no homozygotes.

Submission:

Labcorp Genetics (formerly Invitae), Labcorp
Classification: Uncertain significance. Last evaluated: 2024-10-15. Review status: criteria provided, single submitter. Criteria: Invitae Variant Classification Sherloc (09022015). Collection method: clinical testing. Allele origin: germline.
Comment: This sequence change replaces lysine, which is basic and polar, with arginine, which is basic and polar, at codon 743 of the ACO2 protein (p.Lys743Arg). This variant is present in population databases (rs775187728, gnomAD 0.006%). This variant has not been reported in the literature in individuals affected with ACO2-related conditions. Invitae Evidence Modeling of protein sequence and biophysical properties (such as structural, functional, and spatial information, amino acid conservation, physicochemical variation, residue mobility, and thermodynamic stability) indicates that this missense variant is not expected to disrupt ACO2 protein function with a negative predictive value of 80%. In summary, the available evidence is currently insufficient to determine the role of this variant in disease. Therefore, it has been classified as a Variant of Uncertain Significance.

NM_001098.3(ACO2):c.2228A>G (p.Lys743Arg)

Genes: ACO2 (aconitase 2; plus strand), POLR3H (RNA polymerase III subunit H; minus strand). Cytogenetic location: 22q13.2.
Variant type: single nucleotide variant.
Coding change: c.2228A>G on transcript NM_001098.3 (MANE Select); coding-DNA position 2228, A replaced by G.
Protein change: p.Lys743Arg; replaces lysine 743 with arginine.
Molecular consequence: missense variant. On other transcripts: 3 prime UTR variant (5).
Genome position (GRCh38, 1-based): chr22:41,528,498, A>G. VCF-style: chr22-41528498-A-G. GRCh37 (hg19) VCF-style: chr22-41924502-A-G.
Other names: c.*785T>C (NM_001018050.4, NM_001018052.4, NM_001282884.2 and 2 more transcripts); short protein forms K743R.
Identifiers: ClinVar variation 3636034 (VCV003636034.2).